The following is an entry in ClinVar:

ClinVar aggregate classification (germline): Uncertain significance (1 of 4 stars; one submission).

Conditions:
SETBP1-related disorder. Also called: SETBP1-related condition; SETBP1-related disorders.

Submission:

PreventionGenetics, part of Exact Sciences
Classification: Uncertain significance for SETBP1-related condition. Last evaluated: 2025-07-30. Review status: criteria provided, single submitter. Criteria: ACMG Guidelines, 2015. Collection method: clinical testing. Allele origin: germline.
Comment: The SETBP1 c.3584A>G variant is predicted to result in the amino acid substitution p.Lys1195Arg. To our knowledge, this variant has not been reported in the literature or in a large population database (gnomAD), indicating this variant is rare. At this time, the clinical significance of this variant is uncertain due to the absence of conclusive functional and genetic evidence.

NM_015559.3(SETBP1):c.3584A>G (p.Lys1195Arg)

Gene: SETBP1 (SET binding protein 1; plus strand). Cytogenetic location: 18q12.3.
Variant type: single nucleotide variant.
Coding change: c.3584A>G on transcript NM_015559.3 (MANE Select); coding-DNA position 3584, A replaced by G.
Protein change: p.Lys1195Arg; replaces lysine 1195 with arginine.
Molecular consequence: missense variant.
Genome position (GRCh38, 1-based): chr18:44,952,924, A>G. VCF-style: chr18-44952924-A-G. GRCh37 (hg19) VCF-style: chr18-42532889-A-G.
Other names: c.3584A>G, p.Lys1195Arg (NM_001379141.1, NM_001379142.1, NM_001410862.1); short protein forms K1195R.
Identifiers: ClinVar variation 5001671 (VCV005001671.1).